The following is an entry in ClinVar:

NM_001370259.2(MEN1):c.211_212del (p.Pro71fs)

Gene: MEN1 (menin 1; minus strand). Cytogenetic location: 11q13.1.
Variant type: Deletion.
Coding change: c.211_212del on transcript NM_001370259.2 (MANE Select); coding-DNA positions 211 to 212, 2 bases deleted (CC; older notation c.211_212delCC).
Protein change: p.Pro71fs; shifts the reading frame from proline 71.
Molecular consequence: frameshift variant.
Genome position (GRCh38, 1-based): chr11:64,809,898-64,809,899, GG deleted on the plus strand (CC on the coding strand, the reverse complement: MEN1 is on the minus strand); deleting any 2 consecutive bases within chr11:64,809,898-64,809,900 gives the same sequence; the c. name uses the placement nearest the transcript's 3' end. VCF-style (leftmost placement, unchanged base first): chr11-64809897-CGG-C. GRCh37 (hg19) VCF-style: chr11-64577369-CGG-C.
Other names: c.211_212delCC (NM_130799.2, NM_000244.3); c.211_212del, p.Pro71fs (NM_000244.4, NM_001370251.2, NM_001370260.2 and 9 more transcripts); short protein forms P71fs.
Identifiers: ClinVar variation 36526 (VCV000036526.15), dbSNP rs386134251, ClinGen allele CA009338.

ClinVar aggregate classification (germline): Pathogenic. Review status: criteria provided, multiple submitters, no conflicts (2 of 4 stars). 4 submissions from 4 submitters: Pathogenic (4). Last evaluated 2025-12-22.

Conditions:
Multiple endocrine neoplasia, type 1 (MEN1). Also called: Endocrine adenomatosis multiple; MEN 1; MEA I; MEN I; WERMER SYNDROME. Identifiers: Orphanet 652, MedGen C0025267, MeSH D018761, MONDO:0007540, OMIM 131100.

Submissions (4):

Labcorp Genetics (formerly Invitae), Labcorp
Classification: Pathogenic for Multiple endocrine neoplasia, type 1. Last evaluated: 2025-12-22. Review status: criteria provided, single submitter. Criteria: Invitae Variant Classification Sherloc (09022015). Collection method: clinical testing. Allele origin: germline.
Comment: This sequence change creates a premature translational stop signal (p.Pro71Alafs*45) in the MEN1 gene. It is expected to result in an absent or disrupted protein product. Loss-of-function variants in MEN1 are known to be pathogenic (PMID: 12112656, 17853334). This variant is not present in population databases (gnomAD no frequency). This premature translational stop signal has been observed in individual(s) with multiple endocrine neoplasia type 1 (PMID: 10598193, 12049533). Invitae Evidence Modeling of clinical and family history, age, sex, and reported ancestry of multiple individuals with this MEN1 variant has been performed. This variant is expected to be pathogenic with a positive predictive value of at least 99%. This is a validated machine learning model that incorporates the clinical features of 1,366,787 individuals referred to our laboratory for MEN1 testing. This variant is also known as c.210_211delCC or c.320del2. ClinVar contains an entry for this variant (Variation ID: 36526). For these reasons, this variant has been classified as Pathogenic.

GeneDx
Classification: Pathogenic. Last evaluated: 2023-01-27. Review status: criteria provided, single submitter. Criteria: GeneDx Variant Classification Process June 2021. Collection method: clinical testing. Allele origin: germline. Affected: yes.
Comment: Frameshift variant predicted to result in protein truncation or nonsense mediated decay in a gene for which loss of function is a known mechanism of disease; Not observed at significant frequency in large population cohorts (gnomAD); Observed in individuals with multiple endocrine neoplasia type 1 (Cote et al., 1998; Kouvaraki et al., 2002); This variant is associated with the following publications: (PMID: 10598193, 10660339, 12049533, 32130200)

Quest Diagnostics Nichols Institute San Juan Capistrano
Classification: Pathogenic. Last evaluated: 2016-05-02. Review status: criteria provided, single submitter. Criteria: Quest Diagnostics criteria. Collection method: clinical testing. Allele origin: unknown.
Comment: This frameshift variant causes the premature termination of MEN1 protein synthesis. This variant has not been reported in large, multi-ethnic general populations. In addition, it has been reported in individuals with MEN1 related conditions in the published literature (PMIDs: 10598193 (1999) and 12049533 (2002)). Therefore, the variant is classified as pathogenic.

Women's Health and Genetics/Laboratory Corporation of America, LabCorp
Classification: Pathogenic for Multiple Endocrine Neoplasia Type 1. Last evaluated: 2011-08-18. Review status: criteria provided, single submitter. Criteria: LabCorp Variant Classification Summary - May 2015. Collection method: curation, clinical testing. Allele origin: germline. Inheritance: autosomal dominant. Affected: yes. Observed: 19 variant alleles.
ClinVar note: Converted during submission from pathogenic to Pathogenic.

Literature cited by the submitters: PubMed 12112656 (cited by Labcorp Genetics (formerly Invitae), Labcorp); PubMed 17853334 (cited by Labcorp Genetics (formerly Invitae), Labcorp); PubMed 10598193 (cited by 3 submitters); PubMed 12049533 (cited by 3 submitters); PubMed 10660339 (cited by Quest Diagnostics Nichols Institute San Juan Capistrano and Women's Health and Genetics/Laboratory Corporation of America, LabCorp); PubMed 32130200 (cited by Quest Diagnostics Nichols Institute San Juan Capistrano).